The following is an entry in ClinVar:

NM_001283009.2(RTEL1):c.3058G>T (p.Glu1020Ter)

Genes: RTEL1 (regulator of telomere elongation helicase 1; plus strand), RTEL1-TNFRSF6B (RTEL1-TNFRSF6B readthrough (NMD candidate); plus strand). Cytogenetic location: 20q13.33.
Variant type: single nucleotide variant.
Coding change: c.3058G>T on transcript NM_001283009.2 (MANE Select); coding-DNA position 3058, G replaced by T.
Protein change: p.Glu1020Ter; replaces glutamic acid 1020 with a stop codon.
Molecular consequence: nonsense. On other transcripts: non-coding transcript variant (1).
Genome position (GRCh38, 1-based): chr20:63,694,437, G>T. VCF-style: chr20-63694437-G-T. GRCh37 (hg19) VCF-style: chr20-62325790-G-T.
Other names: c.2389G>T, p.Glu797Ter (NM_001283010.1); c.3058G>T, p.Glu1020Ter (NM_016434.4); c.3130G>T, p.Glu1044Ter (NM_032957.5); short protein forms E1020*, E1044*, E797*.
Identifiers: ClinVar variation 1456582 (VCV001456582.8), dbSNP rs771746222, ClinGen allele CA409684548.

ClinVar aggregate classification (germline): Pathogenic/Likely pathogenic. Review status: criteria provided, multiple submitters, no conflicts (2 of 4 stars). 2 submissions from 2 submitters: Pathogenic (1); Likely pathogenic (1). Last evaluated 2022-10-20.

Conditions:
Dyskeratosis congenita, autosomal recessive 5 (DKCB5). Identifiers: MedGen C3554656, MONDO:0014076, OMIM 615190.
Pulmonary fibrosis and/or bone marrow failure, Telomere-related, 3. Also called: PULMONARY FIBROSIS AND/OR BONE MARROW FAILURE SYNDROME, TELOMERE-RELATED, 3. Identifiers: Orphanet 2032, MedGen C4225346, MONDO:0014613, OMIM 616373.

gnomAD v4.1: 1 of 1,612,244 alleles (0.000062%); highest among the groups gnomAD compares: Admixed American, 0.0017%; no homozygotes.

Submissions (2):

Illumina Laboratory Services, Illumina
Classification: Likely pathogenic. Last evaluated: 2022-10-20. Review status: criteria provided, single submitter. Criteria: ICSL CNVClassificationCriteria Aug2020. Collection method: clinical testing. Allele origin: unknown. Affected: yes.
Comment: The RTEL1 c.3058G>T (p.Glu1020Ter) nonsense variant results in the termination of the protein at amino acid position 1020. Loss of normal protein function through either protein truncation or nonsense-mediated mRNA decay is expected. To our knowledge, this variant has not been reported in the peer-reviewed literature. This variant is reported in the Genome Aggregation Database in one allele at a frequency of 0.000029 in the Latino/Admixed American population (version 2.1.1); however, this is a low-quality region. Based on the available evidence, the c.3058G>T (p.Glu1020Ter) variant is classified as likely pathogenic for dyskeratosis congenita and related telomere-related disorders.

Labcorp Genetics (formerly Invitae), Labcorp
Classification: Pathogenic for Dyskeratosis congenita, autosomal recessive 5; Pulmonary fibrosis and/or bone marrow failure, Telomere-related, 3. Last evaluated: 2021-04-21. Review status: criteria provided, single submitter. Criteria: Invitae Variant Classification Sherloc (09022015). Collection method: clinical testing. Allele origin: germline.
Comment: This variant is not present in population databases (ExAC no frequency). This variant has not been reported in the literature in individuals with RTEL1-related conditions. For these reasons, this variant has been classified as Pathogenic. This sequence change creates a premature translational stop signal (p.Glu1020*) in the RTEL1 gene. It is expected to result in an absent or disrupted protein product. Loss-of-function variants in RTEL1 are known to be pathogenic (PMID: 23453664, 23959892, 25607374).

Literature cited by the submitters: PubMed 23453664 (cited by Labcorp Genetics (formerly Invitae), Labcorp); PubMed 23959892 (cited by Labcorp Genetics (formerly Invitae), Labcorp); PubMed 25607374 (cited by Labcorp Genetics (formerly Invitae), Labcorp).